The following is an entry in ClinVar:

ClinVar aggregate classification (germline): Likely benign. Review status: criteria provided, multiple submitters, no conflicts (2 of 4 stars). 5 submissions from 5 submitters: Likely benign (5). Last evaluated 2026-01-24.

Conditions:
ENG-related disorder. Also called: ENG-related condition; ENG-related disorders.
Hereditary hemorrhagic telangiectasia (HHT). Also called: ORW DISEASE; Osler Weber Rendu syndrome; OSLER-RENDU-WEBER DISEASE; Osler hemorrhagic telangiectasia syndrome. Identifiers: Orphanet 774, MedGen C0039445, MONDO:0019180. Disease mechanism: loss of function.
Cardiovascular phenotype. Identifiers: MedGen CN230736.

Allele frequency attached by ClinVar (database versions not stated): TOPMed 0.00004; gnomAD 0.00002.

Submissions (5):

Labcorp Genetics (formerly Invitae), Labcorp
Classification: Likely benign for Hereditary hemorrhagic telangiectasia. Last evaluated: 2026-01-24. Review status: criteria provided, single submitter. Criteria: Invitae Variant Classification Sherloc (09022015). Collection method: clinical testing. Allele origin: germline.

PreventionGenetics, part of Exact Sciences
Classification: Likely benign for ENG-related condition. Last evaluated: 2025-03-07. Review status: criteria provided, single submitter. Criteria: ACMG Guidelines, 2015. Collection method: clinical testing. Allele origin: germline.
Comment: This variant is classified as likely benign based on ACMG/AMP sequence variant interpretation guidelines (Richards et al. 2015 PMID: 25741868, with internal and published modifications).

Blueprint Genetics
Classification: Likely benign. Last evaluated: 2024-10-11. Review status: criteria provided, single submitter. Criteria: ACMG Guidelines, 2015. Collection method: clinical testing. Allele origin: germline.

Women's Health and Genetics/Laboratory Corporation of America, LabCorp
Classification: Likely benign. Last evaluated: 2024-07-05. Review status: criteria provided, single submitter. Criteria: LabCorp Variant Classification Summary - May 2015. Collection method: clinical testing. Allele origin: germline.

Ambry Genetics
Classification: Likely benign for Cardiovascular phenotype. Last evaluated: 2023-05-27. Review status: criteria provided, single submitter. Criteria: Ambry Variant Classification Scheme 2023. Collection method: clinical testing. Allele origin: germline.

NM_001114753.3(ENG):c.393G>A (p.Pro131=)

Gene: ENG (endoglin; minus strand). Cytogenetic location: 9q34.11.
Variant type: single nucleotide variant.
Coding change: c.393G>A on transcript NM_001114753.3 (MANE Select); coding-DNA position 393, G replaced by A.
Protein change: p.Pro131=; no amino-acid change (proline 131 retained).
Molecular consequence: synonymous variant. On other transcripts: 5 prime UTR variant (1).
Genome position (GRCh38, 1-based): chr9:127,826,640, C>T on the plus strand (G>A on the coding strand, the complement: ENG is on the minus strand). VCF-style: chr9-127826640-C-T. GRCh37 (hg19) VCF-style: chr9-130588919-C-T.
Other names: c.393G>A (NM_001114753.1); c.393G>A, p.Pro131= (NM_000118.4, NM_001406715.1); c.-154G>A (NM_001278138.2).
Identifiers: ClinVar variation 696261 (VCV000696261.17), dbSNP rs760121099, ClinGen allele CA5253128.